The following is an entry in ClinVar:

ClinVar aggregate classification (germline): Uncertain significance (1 of 4 stars; one submission).

Submission:

Labcorp Genetics (formerly Invitae), Labcorp
Classification: Uncertain significance. Last evaluated: 2022-07-27. Review status: criteria provided, single submitter. Criteria: Invitae Variant Classification Sherloc (09022015). Collection method: clinical testing. Allele origin: germline.
Comment: In summary, the available evidence is currently insufficient to determine the role of this variant in disease. Therefore, it has been classified as a Variant of Uncertain Significance. Algorithms developed to predict the effect of missense changes on protein structure and function output the following: SIFT: "Deleterious"; PolyPhen-2: "Benign"; Align-GVGD: "Class C0". The serine amino acid residue is found in multiple mammalian species, which suggests that this missense change does not adversely affect protein function. This variant has not been reported in the literature in individuals affected with RTTN-related conditions. This variant is not present in population databases (gnomAD no frequency). This sequence change replaces asparagine, which is neutral and polar, with serine, which is neutral and polar, at codon 536 of the RTTN protein (p.Asn536Ser).

NM_173630.4(RTTN):c.1607A>G (p.Asn536Ser)

Gene: RTTN (rotatin; minus strand). Cytogenetic location: 18q22.2.
Variant type: single nucleotide variant.
Coding change: c.1607A>G on transcript NM_173630.4 (MANE Select); coding-DNA position 1607, A replaced by G.
Protein change: p.Asn536Ser; replaces asparagine 536 with serine.
Molecular consequence: missense variant. On other transcripts: 5 prime UTR variant (1).
Genome position (GRCh38, 1-based): chr18:70,168,937, T>C on the plus strand (A>G on the coding strand, the complement: RTTN is on the minus strand). VCF-style: chr18-70168937-T-C. GRCh37 (hg19) VCF-style: chr18-67836173-T-C.
Other names: c.-1041A>G (NM_001318520.2); short protein forms N536S.
Identifiers: ClinVar variation 2060807 (VCV002060807.4), dbSNP rs2512834317, ClinGen allele CA402698007.